The following is an entry in ClinVar:

ClinVar aggregate classification (germline): Uncertain significance. Review status: criteria provided, multiple submitters, no conflicts (2 of 4 stars). 4 submissions from 4 submitters: Uncertain significance (4). Last evaluated 2026-03-06.

Conditions:
Inborn genetic diseases. Identifiers: MedGen C0950123, MeSH D030342.
Pitt-Hopkins-like syndrome 2 (PTHSL2). Identifiers: Orphanet 221150, Orphanet 600663, MedGen C3280479, MONDO:0013690, OMIM 614325.

Allele frequency attached by ClinVar (database versions not stated): gnomAD exomes below 0.00001 and 0.00001; ExAC 0.00001; gnomAD 0.00002; TOPMed 0.00002; ESP Exome Variant Server 0.00008.
gnomAD v4.1: 6 of 1,612,362 alleles (0.00037%); highest among the groups gnomAD compares: African/African-American, 0.004%; no homozygotes.

Submissions (4):

GeneDx
Classification: Uncertain significance. Last evaluated: 2026-03-06. Review status: criteria provided, single submitter. Criteria: GeneDx Variant Classification Process June 2021. Collection method: clinical testing. Allele origin: germline.
Comment: Missense variant in a gene in which most reported pathogenic variants are truncating/loss of function; In silico analysis supports that this missense variant has a deleterious effect on protein structure/function; This variant is associated with the following publications: (PMID: 36325100)

Ambry Genetics
Classification: Uncertain significance for Inborn genetic diseases. Last evaluated: 2024-08-21. Review status: criteria provided, single submitter. Criteria: Ambry Variant Classification Scheme 2023. Collection method: clinical testing. Allele origin: germline.

Labcorp Genetics (formerly Invitae), Labcorp
Classification: Uncertain significance for Pitt-Hopkins-like syndrome 2. Last evaluated: 2023-10-10. Review status: criteria provided, single submitter. Criteria: Invitae Variant Classification Sherloc (09022015). Collection method: clinical testing. Allele origin: germline.
Comment: This sequence change replaces methionine, which is neutral and non-polar, with valine, which is neutral and non-polar, at codon 767 of the NRXN1 protein (p.Met767Val). This variant is present in population databases (rs377163493, gnomAD 0.008%). This variant has not been reported in the literature in individuals affected with NRXN1-related conditions. ClinVar contains an entry for this variant (Variation ID: 837497). An algorithm developed to predict the effect of missense changes on protein structure and function (PolyPhen-2) suggests that this variant is likely to be disruptive. In summary, the available evidence is currently insufficient to determine the role of this variant in disease. Therefore, it has been classified as a Variant of Uncertain Significance.

Breakthrough Genomics
Classification: Uncertain significance. Review status: criteria provided, single submitter. Criteria: ACMG Guidelines, 2015. Collection method: not provided. Allele origin: germline. Inheritance: Autosomal recessive inheritance. Affected: yes.

NM_001330078.2(NRXN1):c.2179A>G (p.Met727Val)

Gene: NRXN1 (neurexin 1; minus strand). Cytogenetic location: 2p16.3.
Variant type: single nucleotide variant.
Coding change: c.2179A>G on transcript NM_001330078.2 (MANE Select); coding-DNA position 2179, A replaced by G.
Protein change: p.Met727Val; replaces methionine 727 with valine.
Molecular consequence: missense variant.
Genome position (GRCh38, 1-based): chr2:50,531,395, T>C on the plus strand (A>G on the coding strand, the complement: NRXN1 is on the minus strand). VCF-style: chr2-50531395-T-C. GRCh37 (hg19) VCF-style: chr2-50758533-T-C.
Other names: c.2299A>G, p.Met767Val (NM_001135659.3); c.2155A>G, p.Met719Val (NM_001330077.2, NM_001330082.2, NM_001330095.2); c.2140A>G, p.Met714Val (NM_001330083.2, NM_001330084.2); c.2179A>G, p.Met727Val (NM_001330085.2, NM_001330086.2, NM_004801.6); c.2095A>G, p.Met699Val (NM_001330087.2, NM_001330096.2); c.2125A>G, p.Met709Val (NM_001330088.2); c.2176A>G, p.Met726Val (NM_001330093.2); c.2167A>G, p.Met723Val (NM_001330094.2); short protein forms M726V, M727V, M709V, M714V, M719V, M723V, M767V, M699V.
Identifiers: ClinVar variation 837497 (VCV000837497.12), dbSNP rs377163493, ClinGen allele CA1654898.